The following is an entry in ClinVar:

ClinVar aggregate classification (germline): Pathogenic. Review status: reviewed by expert panel (3 of 4 stars). 11 submissions from 11 submitters: Pathogenic (1). 10 of the submissions do not count toward it. Last evaluated 2020-07-09.

Conditions:
PAH-related disorder. Also called: PAH-related condition.
Inborn genetic diseases. Identifiers: MedGen C0950123, MeSH D030342.
Phenylketonuria (PKU). Also called: Phenylketonuria (PKU); FOLLING DISEASE; OLIGOPHRENIA PHENYLPYRUVICA; Phenylketonurias. Identifiers: Orphanet 716, MedGen C0031485, MONDO:0009861, OMIM 261600. Disease mechanism: loss of function.

Allele frequency attached by ClinVar (database versions not stated): TOPMed 0.00002; gnomAD exomes 0.00004 and 0.00001; ExAC 0.00002; gnomAD 0.00001.
gnomAD v4.1: 54 of 1,614,052 alleles (0.0033%); highest among the groups gnomAD compares: Non-Finnish European, 0.0044%; no homozygotes.

Submissions (11):

ClinGen PAH Variant Curation Expert Panel
Classification: Pathogenic for Phenylketonuria. Last evaluated: 2020-07-09. Review status: reviewed by expert panel. Criteria: ClinGen PAH ACMG Specifications v1. Collection method: curation. Allele origin: germline. Inheritance: Autosomal recessive inheritance.
Comment: The c.653G>T (p.Gly218Val) variant in PAH has been reported in multiple individuals with PAH deficiency (PMID: 8406445, 9781015, 10479481). This variant has an extremely low allele frequency (MAF=0.00004) in gnomAD. It was detected with multiple pathogenic variants: p.R158Q, p.I65T (PMID: 10479481); p.Y414C (PMID: 8632937); c.1066-11G>A, p.Arg270Lys, (PMID: 26666653); p.P281L (PMID: 24368688); p.R408W (PMID: 11032331); p.S349P (PMID: 22841515); c.1223G > A (p.R408Q) (PMID: 29102225). It co-segregated with disease (PKU) in 2 sisters (PMID: 8831077). Computational prediction tools and conservation analysis support a deleterious effect on the protein. In summary, this variant meets criteria to be classified as pathogenic for PAH. PAH-specific ACMG/AMP criteria applied: PM3_very-strong, PM2, PP1, PP3, PP4.

Ambry Genetics
Classification: Pathogenic for Inborn genetic diseases. Last evaluated: 2025-05-07. Review status: criteria provided, single submitter. Criteria: Ambry Variant Classification Scheme 2023. Collection method: clinical testing. Allele origin: germline. Not counted in ClinVar's aggregate classification.
Comment: The c.653G>T (p.G218V) alteration is located in exon 6 (coding exon 6) of the PAH gene. This alteration results from a G to T substitution at nucleotide position 653, causing the glycine (G) at amino acid position 218 to be replaced by a valine (V). Based on data from gnomAD, the T allele has an overall frequency of 0.001% (4/282732) total alleles studied. The highest observed frequency was 0.004% (1/24974) of African alleles. This variant has been identified in conjunction with other PAH variant(s) in individual(s) with features consistent with phenylalanine hydroxylase deficiency (Hillert, 2020; Viall, 2017; Jeannesson-Thivisol, 2015; Ho, 2014; Sarkissian, 2012). This amino acid position is highly conserved in available vertebrate species. This alteration is predicted to be deleterious by in silico analysis. Based on the available evidence, this alteration is classified as pathogenic.

Labcorp Genetics (formerly Invitae), Labcorp
Classification: Pathogenic for Phenylketonuria. Last evaluated: 2024-05-02. Review status: criteria provided, single submitter. Criteria: Invitae Variant Classification Sherloc (09022015). Collection method: clinical testing. Allele origin: germline. Not counted in ClinVar's aggregate classification.
Comment: This sequence change replaces glycine, which is neutral and non-polar, with valine, which is neutral and non-polar, at codon 218 of the PAH protein (p.Gly218Val). This variant is present in population databases (rs62514933, gnomAD 0.004%). This missense change has been observed in individual(s) with phenylketonuria or hyperphenylalaninemia (PMID: 8632937, 10479481, 12655546, 24368688, 26666653). ClinVar contains an entry for this variant (Variation ID: 102773). Advanced modeling of protein sequence and biophysical properties (such as structural, functional, and spatial information, amino acid conservation, physicochemical variation, residue mobility, and thermodynamic stability) performed at Invitae indicates that this missense variant is not expected to disrupt PAH protein function with a negative predictive value of 80%. Experimental studies have shown that this missense change affects PAH function (PMID: 12655546). For these reasons, this variant has been classified as Pathogenic.

Institute of Immunology and Genetics Kaiserslautern
Classification: Pathogenic for Phenylketonuria. Last evaluated: 2024-04-25. Review status: criteria provided, single submitter. Criteria: ACMG Guidelines, 2015. Collection method: clinical testing. Allele origin: maternal. Affected: yes. Not counted in ClinVar's aggregate classification.
Comment: ACMG Criteria: PM2, PP3, PS3, PM3, PP5; Variant was found in heterozygous state

Blueprint Genetics
Classification: Pathogenic for PAH-related disorders. Last evaluated: 2024-04-24. Review status: criteria provided, single submitter. Criteria: ACMG Guidelines, 2015. Collection method: clinical testing. Allele origin: germline. Affected: yes. Observed: 5 variant alleles. Not counted in ClinVar's aggregate classification.

Women's Health and Genetics/Laboratory Corporation of America, LabCorp
Classification: Pathogenic for Phenylketonuria. Last evaluated: 2022-07-07. Review status: criteria provided, single submitter. Criteria: LabCorp Variant Classification Summary - May 2015. Collection method: clinical testing. Allele origin: germline. Not counted in ClinVar's aggregate classification.
Comment: Variant summary: PAH c.653G>T (p.Gly218Val) results in a non-conservative amino acid change located in the catalytic domain (IPR041912) of the encoded protein sequence. Four of five in-silico tools predict a damaging effect of the variant on protein function. The variant allele was found at a frequency of 1.2e-05 in 251318 control chromosomes. c.653G>T has been reported in the literature in multiple compound heterozygous individuals affected with Phenylalanine Hydroxylase Deficiency, including hyperphenylalaninemia and mild-, moderate- and classic forms of phenylketonuria (e.g. Guldberg_1993, Benit_1999, Eisensmith_1996, Pey_2003, Jeannesson-Thivisol_2015). These data indicate that the variant is very likely to be associated with disease. Publications also reported experimental evidence evaluating an impact on protein function, and demonstrated that the variant causes abnormal oligomerization (Pey_2003) resulting in decreased enzyme function, with about 15-25% residual activity (Benit_1999, Himmelreich_2018). Three other clinical diagnostic laboratories have submitted clinical-significance assessments for this variant to ClinVar after 2014 without evidence for independent evaluation. All laboratories classified the variant as pathogenic. Based on the evidence outlined above, the variant was classified as pathogenic.

Fulgent Genetics
Classification: Pathogenic for Phenylketonuria. Last evaluated: 2021-11-23. Review status: criteria provided, single submitter. Criteria: ACMG Guidelines, 2015. Collection method: clinical testing. Allele origin: unknown. Not counted in ClinVar's aggregate classification.

PreventionGenetics, part of Exact Sciences
Classification: Pathogenic for PAH-related condition. Last evaluated: 2024-05-03. Review status: no assertion criteria provided. Collection method: clinical testing. Allele origin: germline. Not counted in ClinVar's aggregate classification.
Comment: The PAH c.653G>T variant is predicted to result in the amino acid substitution p.Gly218Val. This variant has previously been reported, along with a second causative PAH variant, in several patients with phenylalanine hydroxylase deficiency (Guldberg et al. 1993. PubMed ID: 8406445; Bénit et al. 1999. PubMed ID: 10479481; Pey et al. 2003. PubMed ID: 12655546; Jeannesson-Thivisol et al. 2015. PubMed ID: 26666653; Table S3 in Hillert et al. 2020. PubMed ID: 32668217). In functional studies, the p.Gly218Val variant has been shown to decrease the activity of the PAH protein, although the amount of residual enzyme activity reported has varied between studies (Bénit et al. 1999. PubMed ID: 10479481; Pey et al. 2003. PubMed ID: 12655546; Himmelreich et al. 2018. PubMed ID: 30037505). This variant is reported in 0.0040% of alleles in individuals of African descent in gnomAD. It is interpreted as pathogenic by the ClinGen PAH Variant Curation Expert Panel, and as pathogenic or likely pathogenic by other submitters to ClinVar. Based on the collective evidence, this variant is interpreted as pathogenic.

Natera, Inc.
Classification: Pathogenic for Phenylketonuria. Last evaluated: 2020-12-04. Review status: no assertion criteria provided. Collection method: clinical testing. Allele origin: germline. Not counted in ClinVar's aggregate classification.

DeBelle Laboratory for Biochemical Genetics, MUHC/MCH RESEARCH INSTITUTE
No classification provided. Review status: no classification provided. Collection method: not provided. Allele origin: not provided. Not counted in ClinVar's aggregate classification.

Department of Pathology and Laboratory Medicine, Sinai Health System
Classification: Likely pathogenic. Review status: no assertion criteria provided. Collection method: clinical testing. Allele origin: unknown. Affected: yes. Study: The Canadian Open Genetics Repository (COGR). Not counted in ClinVar's aggregate classification.
Comment: The PAH p.Gly218Val variant was identified in the compound heterozygous state with another pathogenic PAH variant in 7 of 1806 proband chromosomes (frequency: 0.0039) from individuals or families with both mild and severe phenylkenoturia (PKU) and phenylalanine hydroxylase deficiency (BâˆšÂ©nit_1999_PMID:10479481; Jeannesson-Thivisol_2015_PMID:26666653; Ho_2014_PMID:24368688; GâˆšÂºttler_1999_PMID:10429004; Desviat_1999_PMID:10234516). The variant was identified in dbSNP (ID: rs62514933) and ClinVar (classified as pathogenic for PKU by Invitae in 2018). The variant was not identified in Cosmic or LOVD 3.0. The variant was identified in control databases in 4 of 282732 chromosomes at a frequency of 0.000014 (Genome Aggregation Database Feb 27, 2017). The variant was observed in the following populations: African in 1 of 24974 chromosomes (freq: 0.00004) and European (non-Finnish) in 3 of 129052 chromosomes (freq: 0.000023), but not in the Latino, Ashkenazi Jewish, East Asian, European (Finnish), Other or South Asian populations. The variant occurs outside of the splicing consensus sequence and 3 of 4 in silico or computational prediction software programs (SpliceSiteFinder, MaxEntScan, NNSPLICE, GeneSplicer) do not predict a greater than 10% difference in splicing; this is not very predictive of pathogenicity. The p.Gly218 residue is conserved across mammals and other organisms, and computational analyses (PolyPhen-2, SIFT, AlignGVGD, BLOSUM, MutationTaster) suggest that the variant may impact the protein. Further, the p.G218V variant was found to have reduced protein stability and accelerated protein degradation (Pey_2003_PMID:12655546). In summary, based on the above information the clinical significance of this variant cannot be determined with certainty at this time although we would lean towards a more pathogenic role for this variant. This variant is classified as likely pathogenic.

Literature cited by the submitters: PubMed 8406445 (cited by ClinGen PAH Variant Curation Expert Panel and Women's Health and Genetics/Laboratory Corporation of America, LabCorp); PubMed 9781015 (cited by ClinGen PAH Variant Curation Expert Panel); PubMed 10479481 (cited by 3 submitters); PubMed 23430918 (cited by Ambry Genetics); PubMed 24368688 (cited by Ambry Genetics and Labcorp Genetics (formerly Invitae), Labcorp); PubMed 26666653 (cited by 3 submitters); PubMed 29102225 (cited by Ambry Genetics); PubMed 32668217 (cited by Ambry Genetics); PubMed 8632937 (cited by Labcorp Genetics (formerly Invitae), Labcorp and Women's Health and Genetics/Laboratory Corporation of America, LabCorp); PubMed 12655546 (cited by Labcorp Genetics (formerly Invitae), Labcorp and Women's Health and Genetics/Laboratory Corporation of America, LabCorp); PubMed 30037505 (cited by Women's Health and Genetics/Laboratory Corporation of America, LabCorp).

NM_000277.3(PAH):c.653G>T (p.Gly218Val)

Gene: PAH (phenylalanine hydroxylase; minus strand). Cytogenetic location: 12q23.2.
Variant type: single nucleotide variant.
Coding change: c.653G>T on transcript NM_000277.3 (MANE Select); coding-DNA position 653, G replaced by T.
Protein change: p.Gly218Val; replaces glycine 218 with valine.
Molecular consequence: missense variant.
Genome position (GRCh38, 1-based): chr12:102,855,189, C>A on the plus strand (G>T on the coding strand, the complement: PAH is on the minus strand). VCF-style: chr12-102855189-C-A. GRCh37 (hg19) VCF-style: chr12-103248967-C-A.
Other names: NM_000277.1(PAH):c.653G>T; c.653G>T, p.Gly218Val (NM_001354304.2); short protein forms G218V.
Identifiers: ClinVar variation 102773 (VCV000102773.25), dbSNP rs62514933, ClinGen allele CA229676.